The following is an entry in ClinVar:

NM_032242.4(PLXNA1):c.3385G>C (p.Val1129Leu)

Gene: PLXNA1 (plexin A1; plus strand). Cytogenetic location: 3q21.3.
Variant type: single nucleotide variant.
Coding change: c.3385G>C on transcript NM_032242.4 (MANE Select); coding-DNA position 3385, G replaced by C.
Protein change: p.Val1129Leu; replaces valine 1129 with leucine.
Molecular consequence: missense variant.
Genome position (GRCh38, 1-based): chr3:127,017,533, G>C. VCF-style: chr3-127017533-G-C. GRCh37 (hg19) VCF-style: chr3-126736376-G-C.
Other names: short protein forms V1129L.
Identifiers: ClinVar variation 5000794 (VCV005000794.1).

ClinVar aggregate classification (germline): Uncertain significance (1 of 4 stars; one submission).

Conditions:
PLXNA1-related disorder. Also called: PLXNA1-related condition.

gnomAD v4.1: 5 of 1,613,528 alleles (0.00031%); highest among the groups gnomAD compares: East Asian, 0.0089%; no homozygotes.

Submission:

PreventionGenetics, part of Exact Sciences
Classification: Uncertain significance for PLXNA1-related condition. Last evaluated: 2025-03-23. Review status: criteria provided, single submitter. Criteria: ACMG Guidelines, 2015. Collection method: clinical testing. Allele origin: germline.
Comment: The PLXNA1 c.3385G>C variant is predicted to result in the amino acid substitution p.Val1129Leu. To our knowledge, this variant has not been reported in the literature or in a large population database (gnomAD), indicating this variant is rare. At this time, the clinical significance of this variant is uncertain due to the absence of conclusive functional and genetic evidence.